The following is an entry in ClinVar:

ClinVar aggregate classification (germline): Uncertain significance (1 of 4 stars; one submission).

Conditions:
Renal tubular dysgenesis of genetic origin. Also called: PRIMITIVE RENAL TUBULE SYNDROME. Identifiers: Orphanet 97369, MedGen C5681536, MONDO:0009970, OMIM 267430.

gnomAD v4.1: 3 of 1,487,426 alleles (0.0002%); highest among the groups gnomAD compares: South Asian, 0.0025%; no homozygotes.

Submission:

Neuberg Centre For Genomic Medicine, NCGM
Classification: Uncertain significance for Renal tubular dysgenesis of genetic origin. Review status: criteria provided, single submitter. Criteria: ACMG Guidelines, 2015. Collection method: clinical testing. Allele origin: germline. Inheritance: Autosomal dominant inheritance. Affected: yes.
Comment: The missense variant in c.109G>C (p.Gly37Arg) in ACE gene has not been reported previously as a pathogenic variant nor as a benign variant, to our knowledge. The p.Gly37Arg variant is novel (not in any individuals) in 1000 Genomes and allele frequency of 0.001831% is reported in gnomAD. The amino acid Gly at position 37 is changed to a Arg changing protein sequence and it might alter its composition and physico-chemical properties. This variant has not been reported to the ClinVar database. In silico tools predict the variant to be tolerated. The residue is conserved across species. The amino acid change p.Gly37Arg in ACE is predicted as conserved by GERP++ and PhyloP across 100 vertebrates. For these reasons, this variant has been classified as Uncertain Significance .

NM_000789.4(ACE):c.109G>C (p.Gly37Arg)

Gene: ACE (angiotensin I converting enzyme; plus strand). Cytogenetic location: 17q23.3.
Variant type: single nucleotide variant.
Coding change: c.109G>C on transcript NM_000789.4 (MANE Select); coding-DNA position 109, G replaced by C.
Protein change: p.Gly37Arg; replaces glycine 37 with arginine.
Molecular consequence: missense variant. On other transcripts: 5 prime UTR variant (2).
Genome position (GRCh38, 1-based): chr17:63,477,203, G>C. VCF-style: chr17-63477203-G-C. GRCh37 (hg19) VCF-style: chr17-61554564-G-C.
Other names: c.-127G>C (NM_001382700.1); c.-506G>C (NM_001382701.1); short protein forms G37R.
Identifiers: ClinVar variation 2585227 (VCV002585227.1), dbSNP rs1401848309, ClinGen allele CA400538634.
Genomic context (GRCh38, chr17:63,477,203, plus strand): 5'-CCGCTGCTGTTGCTGCTGCCGCCGCAGCCCGCCCTGGCGTTGGACCCCGGGCTGCAGCCC[G>C]GCAACTTTTCTGCTGACGAGGCCGGGGCGCAGCTCTTCGCGCAGAGCTACAACTCCAGCG-3'
Protein context (NP_000780.1, residues 27-47): ALALDPGLQP[Gly37Arg]NFSADEAGAQ